The following is an entry in ClinVar:

ClinVar aggregate classification (germline): Uncertain significance (1 of 4 stars; one submission).

Conditions:
Hereditary cancer-predisposing syndrome. Also called: Hereditary Cancer Syndrome; Hereditary neoplastic syndrome; Neoplastic Syndromes, Hereditary; Tumor predisposition. Identifiers: Orphanet 140162, MedGen C0027672, MeSH D009386, MONDO:0015356.

Submission:

Ambry Genetics
Classification: Uncertain significance for Hereditary cancer-predisposing syndrome. Last evaluated: 2023-06-12. Review status: criteria provided, single submitter. Criteria: Ambry Variant Classification Scheme 2023. Collection method: clinical testing. Allele origin: germline.
Comment: The p.Y153N variant (also known as c.457T>A), located in coding exon 4 of the DICER1 gene, results from a T to A substitution at nucleotide position 457. The tyrosine at codon 153 is replaced by asparagine, an amino acid with dissimilar properties. This amino acid position is not well conserved in available vertebrate species. In addition, this alteration is predicted to be tolerated by in silico analysis. Since supporting evidence is limited at this time, the clinical significance of this alteration remains unclear.

NM_177438.3(DICER1):c.457T>A (p.Tyr153Asn)

Gene: DICER1 (dicer 1, ribonuclease III; minus strand). Cytogenetic location: 14q32.13.
Variant type: single nucleotide variant.
Coding change: c.457T>A on transcript NM_177438.3 (MANE Select); coding-DNA position 457, T replaced by A.
Protein change: p.Tyr153Asn; replaces tyrosine 153 with asparagine.
Molecular consequence: missense variant. On other transcripts: 5 prime UTR variant (1), non-coding transcript variant (6), intron variant (1).
Genome position (GRCh38, 1-based): chr14:95,130,174, A>T on the plus strand (T>A on the coding strand, the complement: DICER1 is on the minus strand). VCF-style: chr14-95130174-A-T. GRCh37 (hg19) VCF-style: chr14-95596511-A-T.
Other names: c.457T>A, p.Tyr153Asn (NM_001195573.1, NM_001271282.3, NM_001291628.2 and 15 more transcripts); c.175T>A, p.Tyr59Asn (NM_001395686.1); c.52T>A, p.Tyr18Asn (NM_001395687.1, NM_001395688.1, NM_001395689.1 and 3 more transcripts); c.-1112T>A (NM_001395697.1); c.-20-91T>A (NM_001395691.1); short protein forms Y18N, Y153N, Y59N.
Identifiers: ClinVar variation 1741637 (VCV001741637.3), dbSNP rs2140267701, ClinGen allele CA390888578.